The following is an entry in ClinVar:

NM_001318895.3(FHL2):c.678C>T (p.Asn226=)

Genes: C2orf49 (chromosome 2 open reading frame 49; plus strand), FHL2 (four and a half LIM domains 2; minus strand). Cytogenetic location: 2q12.2.
Variant type: single nucleotide variant.
Coding change: c.678C>T on transcript NM_001318895.3 (MANE Select); coding-DNA position 678, C replaced by T.
Protein change: p.Asn226=; no amino-acid change (asparagine 226 retained).
Molecular consequence: synonymous variant.
Genome position (GRCh38, 1-based): chr2:105,363,295, G>A on the plus strand (C>T on the coding strand, the complement: FHL2 is on the minus strand). VCF-style: chr2-105363295-G-A. GRCh37 (hg19) VCF-style: chr2-105979752-G-A.
Other names: c.678C>T, p.Asn226= (NM_001039492.3, NM_001318894.1, NM_001318896.2 and 4 more transcripts); c.336C>T, p.Asn112= (NM_001318897.2, NM_001318898.2); c.354C>T, p.Asn118= (NM_001318899.2).
Identifiers: ClinVar variation 48326 (VCV000048326.18), dbSNP rs137869171, ClinGen allele CA143184.

ClinVar aggregate classification (germline): Benign. Review status: criteria provided, multiple submitters, no conflicts (2 of 4 stars). 5 submissions from 5 submitters: Benign (4). 1 of the submissions does not count toward it. Last evaluated 2026-02-01.

Conditions:
FHL2-related disorder. Also called: FHL2-related condition.
Cardiomyopathy (CMYO). Also called: Cardiomyopathies. Identifiers: Orphanet 167848, MedGen C0878544, MONDO:0004994, HP:0001638. Inheritance: Various modes of inheritance.
Primary dilated cardiomyopathy (DCM). Also called: Dilated Cardiomyopathy. Identifiers: Orphanet 217604, MedGen C0007193, MeSH D002311, MONDO:0005021, HP:0001644. Inheritance: Various modes of inheritance.

Allele frequency attached by ClinVar (database versions not stated): 1000 Genomes Project 30x 0.00422; 1000 Genomes Project 0.00459; ExAC 0.00535; gnomAD exomes 0.00686; TOPMed 0.00757; gnomAD 0.00766 and 0.00794; ESP Exome Variant Server 0.00900.
gnomAD v4.1: 16,345 of 1,614,124 alleles (1%); highest among the groups gnomAD compares: Non-Finnish European, 1.2%; 104 homozygotes.

Submissions (5):

Labcorp Genetics (formerly Invitae), Labcorp
Classification: Benign for Primary dilated cardiomyopathy. Last evaluated: 2026-02-01. Review status: criteria provided, single submitter. Criteria: Invitae Variant Classification Sherloc (09022015). Collection method: clinical testing. Allele origin: germline.

CHEO Genetics Diagnostic Laboratory, Children's Hospital of Eastern Ontario
Classification: Benign for Cardiomyopathy. Last evaluated: 2016-09-14. Review status: criteria provided, single submitter. Criteria: ACMG Guidelines, 2015. Collection method: clinical testing. Allele origin: germline. Study: Canadian Open Genetics Repository.

Laboratory for Molecular Medicine, Mass General Brigham Personalized Medicine
Classification: Benign. Last evaluated: 2012-05-24. Review status: criteria provided, single submitter. Criteria: LMM Criteria. Collection method: clinical testing. Allele origin: germline. Observed: 27 variant alleles.
Comment: Asn226Asn in Exon 05 of FHL2: This variant is not expected to have clinical sign ificance because it does not alter an amino acid residue, is not located within the splice consensus sequence and has been identified in 1.3% (92/7020) of Europ ean American chromosomes from a broad population by the NHLBI Exome Sequencing P roject (dbSNP rs137869171).

Breakthrough Genomics
Classification: Benign. Review status: criteria provided, single submitter. Criteria: ACMG Guidelines, 2015. Collection method: not provided. Allele origin: germline. Inheritance: Unknown mechanism. Affected: yes.

PreventionGenetics, part of Exact Sciences
Classification: Benign for FHL2-related condition. Last evaluated: 2019-05-10. Review status: no assertion criteria provided. Collection method: clinical testing. Allele origin: germline. Not counted in ClinVar's aggregate classification.
Comment: This variant is classified as benign based on ACMG/AMP sequence variant interpretation guidelines (Richards et al. 2015 PMID: 25741868, with internal and published modifications).